The following is an entry in ClinVar:

NM_001369.3(DNAH5):c.9883G>T (p.Glu3295Ter)

Gene: DNAH5 (dynein axonemal heavy chain 5; minus strand). Cytogenetic location: 5p15.2.
Variant type: single nucleotide variant.
Coding change: c.9883G>T on transcript NM_001369.3 (MANE Select); coding-DNA position 9883, G replaced by T.
Protein change: p.Glu3295Ter; replaces glutamic acid 3295 with a stop codon.
Molecular consequence: nonsense.
Genome position (GRCh38, 1-based): chr5:13,768,974, C>A on the plus strand (G>T on the coding strand, the complement: DNAH5 is on the minus strand). VCF-style: chr5-13768974-C-A. GRCh37 (hg19) VCF-style: chr5-13769083-C-A.
Other names: short protein forms E3295*.
Identifiers: ClinVar variation 3703805 (VCV003703805.2).
Genomic context (GRCh38, chr5:13,768,974, plus strand): 5'-CCTCTTAAGCCCTAAAGCTGACATCTGTTATATCACATAGATGCACCTGCAATGCAGCTT[C>A]TGCCTCTTCTAAAGCTGGTTTTGCTGCTTCCAGTTTTTCTTCAGCAATGGCTTTGTCTTT-3'

ClinVar aggregate classification (germline): Pathogenic (1 of 4 stars; one submission).

Conditions:
Primary ciliary dyskinesia. Also called: Ciliary dyskinesia. Identifiers: Orphanet 244, MedGen C0008780, MONDO:0016575, HP:0012265.

Submission:

Labcorp Genetics (formerly Invitae), Labcorp
Classification: Pathogenic for Primary ciliary dyskinesia. Last evaluated: 2024-03-26. Review status: criteria provided, single submitter. Criteria: Invitae Variant Classification Sherloc (09022015). Collection method: clinical testing. Allele origin: germline.
Comment: This sequence change creates a premature translational stop signal (p.Glu3295*) in the DNAH5 gene. It is expected to result in an absent or disrupted protein product. Loss-of-function variants in DNAH5 are known to be pathogenic (PMID: 11788826, 16627867). This variant is not present in population databases (gnomAD no frequency). This variant has not been reported in the literature in individuals affected with DNAH5-related conditions. Algorithms developed to predict the effect of sequence changes on RNA splicing suggest that this variant may disrupt the consensus splice site. For these reasons, this variant has been classified as Pathogenic.

Literature cited by the submitters: PubMed 11788826; PubMed 16627867.